The following is an entry in ClinVar:

ClinVar aggregate classification (germline): Pathogenic, low penetrance (1 of 4 stars; one submission).

Conditions:
Atypical hemolytic-uremic syndrome. Identifiers: Orphanet 2134, MedGen C2931788, MONDO:0016244.

Submission:

Genomenon, Inc
Classification: Pathogenic, low penetrance for Atypical hemolytic-uremic syndrome. Last evaluated: 2025-10-02. Review status: criteria provided, single submitter. Criteria: Genomenon Sequence Variant Interpretation Standards. Collection method: curation. Allele origin: germline. Affected: yes.
Comment: CD46 p.Phe254LeufsTer44 (c.762del) is a frameshift variant that results in the production of a truncated protein which is predicted to undergo nonsense-mediated mRNA decay. This variant has been observed in at least one proband affected with atypical hemolytic-uremic syndrome (PMID:31118930). It is absent or not present at a significant frequency in gnomAD. In conclusion, we classify CD46 p.Phe254LeufsTer44 (c.762del) as a pathogenic variant.

Literature cited by the submitters: PubMed 31118930.

NM_172351.3(CD46):c.762del (p.Phe254fs)

Gene: CD46 (CD46 molecule; plus strand). Cytogenetic location: 1q32.2.
Variant type: Deletion.
Coding change: c.762del on transcript NM_172351.3 (MANE Select); coding-DNA position 762, one base deleted (T; older notation c.762delT).
Protein change: p.Phe254fs; shifts the reading frame from phenylalanine 254.
Molecular consequence: frameshift variant.
Genome position (GRCh38, 1-based): chr1:207,767,101, T deleted; the last of 3 consecutive T bases (chr1:207,767,099-207,767,101); deleting any one gives the same sequence. VCF-style (leftmost placement, unchanged base first): chr1-207767098-GT-G. GRCh37 (hg19) VCF-style: chr1-207940443-GT-G.
Other names: c.762del, p.Phe254fs (NM_002389.4, NM_153826.4, NM_172350.3 and 8 more transcripts); short protein forms F254fs.
Identifiers: ClinVar variation 4291181 (VCV004291181.1).